The following is an entry in ClinVar:

ClinVar aggregate classification (germline): Uncertain significance (1 of 4 stars; one submission).

gnomAD v4.1: 8 of 1,613,590 alleles (0.0005%); highest among the groups gnomAD compares: Admixed American, 0.013%; no homozygotes.

Submission:

GeneDx
Classification: Uncertain significance. Last evaluated: 2026-01-25. Review status: criteria provided, single submitter. Criteria: GeneDx Variant Classification Process June 2021. Collection method: clinical testing. Allele origin: germline.
Comment: In silico analysis suggests that this variant does not alter splicing; Has not been previously published as pathogenic or benign to our knowledge

NM_001127255.2(NLRP7):c.1095G>A (p.Val365=)

Gene: NLRP7 (NLR family pyrin domain containing 7; minus strand). Cytogenetic location: 19q13.42.
Variant type: single nucleotide variant.
Coding change: c.1095G>A on transcript NM_001127255.2 (MANE Select); coding-DNA position 1095, G replaced by A.
Protein change: p.Val365=; no amino-acid change (valine 365 retained).
Molecular consequence: synonymous variant.
Genome position (GRCh38, 1-based): chr19:54,939,724, C>T on the plus strand (G>A on the coding strand, the complement: NLRP7 is on the minus strand). VCF-style: chr19-54939724-C-T. GRCh37 (hg19) VCF-style: chr19-55451092-C-T.
Other names: c.1095G>A, p.Val365= (NM_001405531.1, NM_139176.4, NM_206828.4).
Identifiers: ClinVar variation 4975606 (VCV004975606.1).
Genomic context (GRCh38, chr19:54,939,724, plus strand): 5'-GGGGACCGGGTCCTCCCCCTTCTCCATCTGCAGCTTCAGAGTCGTGCACACAATCCAGCA[C>T]ACCGCGGGGGCCGAGCCCAGCTGGAACAGGGCCGCGTTGCTCCTCATTAGCTCAAAGGCA-3'
Protein context (NP_001120727.1, residues 355-375): ALFQLGSAPA[Val365=]CWIVCTTLKL